The following is an entry in ClinVar:

NM_020778.5(ALPK3):c.4235G>T (p.Arg1412Leu)

Gene: ALPK3 (alpha kinase 3; plus strand). Cytogenetic location: 15q25.3.
Variant type: single nucleotide variant.
Coding change: c.4235G>T on transcript NM_020778.5 (MANE Select); coding-DNA position 4235, G replaced by T.
Protein change: p.Arg1412Leu; replaces arginine 1412 with leucine.
Molecular consequence: missense variant.
Genome position (GRCh38, 1-based): chr15:84,862,740, G>T. VCF-style: chr15-84862740-G-T. GRCh37 (hg19) VCF-style: chr15-85405971-G-T.
Other names: c.4841G>T (NM_020778.4); short protein forms R1412L.
Identifiers: ClinVar variation 1376697 (VCV001376697.7), dbSNP rs769568552, ClinGen allele CA393362852.
Genomic context (GRCh38, chr15:84,862,740, plus strand): 5'-TGGCTGACTCTGGCTGCTGGGGGGACAAGCTCTTTGGGCGACTGGTAAGCGAGGAGCTCC[G>T]AGGGGGTGGATATGGGTGTGGCCTTCGGAAGGCCTCCCAGGCCAAGGTCATCTACGGGCT-3'
Protein context (NP_065829.4, residues 1402-1422): LFGRLVSEEL[Arg1412Leu]GGGYGCGLRK

ClinVar aggregate classification (germline): Uncertain significance. Review status: criteria provided, multiple submitters, no conflicts (2 of 4 stars). 2 submissions from 2 submitters: Uncertain significance (2). Last evaluated 2024-08-04.

Conditions:
Cardiovascular phenotype. Identifiers: MedGen CN230736.

gnomAD v4.1: 11 of 1,614,138 alleles (0.00068%); highest among the groups gnomAD compares: Non-Finnish European, 0.00085%; no homozygotes.

Submissions (2):

Labcorp Genetics (formerly Invitae), Labcorp
Classification: Uncertain significance. Last evaluated: 2024-08-04. Review status: criteria provided, single submitter. Criteria: Invitae Variant Classification Sherloc (09022015). Collection method: clinical testing. Allele origin: germline.
Comment: This sequence change replaces arginine, which is basic and polar, with leucine, which is neutral and non-polar, at codon 1614 of the ALPK3 protein (p.Arg1614Leu). This variant is not present in population databases (gnomAD no frequency). This variant has not been reported in the literature in individuals affected with ALPK3-related conditions. ClinVar contains an entry for this variant (Variation ID: 1376697). An algorithm developed to predict the effect of missense changes on protein structure and function (PolyPhen-2) suggests that this variant is likely to be disruptive. In summary, the available evidence is currently insufficient to determine the role of this variant in disease. Therefore, it has been classified as a Variant of Uncertain Significance.

Ambry Genetics
Classification: Uncertain significance for Cardiovascular phenotype. Last evaluated: 2024-07-07. Review status: criteria provided, single submitter. Criteria: Ambry Variant Classification Scheme 2023. Collection method: clinical testing. Allele origin: germline.
Comment: The p.R1614L variant (also known as c.4841G>T), located in coding exon 10 of the ALPK3 gene, results from a G to T substitution at nucleotide position 4841. The arginine at codon 1614 is replaced by leucine, an amino acid with dissimilar properties. This amino acid position is conserved. In addition, this alteration is predicted to be tolerated by in silico analysis. Based on the available evidence, the clinical significance of this variant remains unclear.